The following is an entry in ClinVar:

NM_001001331.4(ATP2B2):c.1752C>T (p.Tyr584=)

Gene: ATP2B2 (ATPase plasma membrane Ca2+ transporting 2; minus strand). Cytogenetic location: 3p25.3.
Variant type: single nucleotide variant.
Coding change: c.1752C>T on transcript NM_001001331.4 (MANE Select); coding-DNA position 1752, C replaced by T.
Protein change: p.Tyr584=; no amino-acid change (tyrosine 584 retained).
Molecular consequence: synonymous variant.
Genome position (GRCh38, 1-based): chr3:10,360,031, G>A on the plus strand (C>T on the coding strand, the complement: ATP2B2 is on the minus strand). VCF-style: chr3-10360031-G-A. GRCh37 (hg19) VCF-style: chr3-10401715-G-A.
Other names: c.1617C>T (NM_001683.3); c.1617C>T, p.Tyr539= (NM_001330611.3, NM_001353564.1, NM_001363862.1 and 1 more transcripts).
Identifiers: ClinVar variation 2712213 (VCV002712213.4), dbSNP rs143161877, ClinGen allele CA2253584.

ClinVar aggregate classification (germline): Likely benign. Review status: criteria provided, multiple submitters, no conflicts (2 of 4 stars). 2 submissions from 2 submitters: Likely benign (2). Last evaluated 2025-09-20.

Conditions:
ATP2B2-related disorder. Also called: ATP2B2-related condition.

Allele frequency attached by ClinVar (database versions not stated): ExAC 0.00006; gnomAD exomes 0.00012; ESP Exome Variant Server 0.00015; gnomAD 0.00017; TOPMed 0.00022.
gnomAD v4.1: 201 of 1,613,990 alleles (0.012%); highest among the groups gnomAD compares: African/African-American, 0.041%; 1 homozygote.

Submissions (2):

PreventionGenetics, part of Exact Sciences
Classification: Likely benign for ATP2B2-related condition. Last evaluated: 2025-09-20. Review status: criteria provided, single submitter. Criteria: ACMG Guidelines, 2015. Collection method: clinical testing. Allele origin: germline.
Comment: This variant is classified as likely benign based on ACMG/AMP sequence variant interpretation guidelines (Richards et al. 2015 PMID: 25741868, with internal and published modifications).

Labcorp Genetics (formerly Invitae), Labcorp
Classification: Likely benign. Last evaluated: 2024-10-08. Review status: criteria provided, single submitter. Criteria: Invitae Variant Classification Sherloc (09022015). Collection method: clinical testing. Allele origin: germline.